The following is an entry in ClinVar:

ClinVar aggregate classification (germline): Uncertain significance (1 of 4 stars; one submission).

Allele frequency attached by ClinVar (database versions not stated): gnomAD exomes below 0.00001; gnomAD 0.00001; TOPMed 0.00001.
gnomAD v4.1: 4 of 1,612,310 alleles (0.00025%); highest among the groups gnomAD compares: Admixed American, 0.0034%; no homozygotes.

Submission:

Labcorp Genetics (formerly Invitae), Labcorp
Classification: Uncertain significance. Last evaluated: 2025-04-09. Review status: criteria provided, single submitter. Criteria: Invitae Variant Classification Sherloc (09022015). Collection method: clinical testing. Allele origin: germline.
Comment: This sequence change falls in intron 18 of the KIF20A gene. It does not directly change the encoded amino acid sequence of the KIF20A protein. It affects a nucleotide within the consensus splice site. This variant is present in population databases (rs748576220, gnomAD 0.006%). This variant has not been reported in the literature in individuals affected with KIF20A-related conditions. ClinVar contains an entry for this variant (Variation ID: 1523108). Variants that disrupt the consensus splice site are a relatively common cause of aberrant splicing (PMID: 17576681, 9536098). Algorithms developed to predict the effect of sequence changes on RNA splicing suggest that this variant may disrupt the consensus splice site. In summary, the available evidence is currently insufficient to determine the role of this variant in disease. Therefore, it has been classified as a Variant of Uncertain Significance.

Literature cited by the submitters: PubMed 17576681; PubMed 9536098.

NM_005733.3(KIF20A):c.2355+1G>T

Gene: KIF20A (kinesin family member 20A; plus strand). Cytogenetic location: 5q31.2.
Variant type: single nucleotide variant.
Coding change: c.2355+1G>T on transcript NM_005733.3 (MANE Select); the canonical splice donor site of the intron after coding-DNA position 2355, G replaced by T.
Molecular consequence: splice donor variant.
Genome position (GRCh38, 1-based): chr5:138,186,432, G>T. VCF-style: chr5-138186432-G-T. GRCh37 (hg19) VCF-style: chr5-137522121-G-T.
Identifiers: ClinVar variation 1523108 (VCV001523108.6), dbSNP rs748576220, ClinGen allele CA128189009.